The following is an entry in ClinVar:

NM_001018115.3(FANCD2):c.3561-4G>T

Genes: FANCD2 (FA complementation group D2; plus strand), FANCD2OS (FANCD2 opposite strand; minus strand). Cytogenetic location: 3p25.3.
Variant type: single nucleotide variant.
Coding change: c.3561-4G>T on transcript NM_001018115.3 (MANE Select); 4 bases into the intron before coding-DNA position 3561, G replaced by T.
Molecular consequence: intron variant.
Genome position (GRCh38, 1-based): chr3:10,088,824, G>T. VCF-style: chr3-10088824-G-T. GRCh37 (hg19) VCF-style: chr3-10130508-G-T.
Other names: c.3561-4G>T (NM_001319984.2, NM_033084.6, NM_001374254.1); c.3450-4G>T (NM_001374253.1); c.*44-7293C>A (NM_173472.2).
Identifiers: ClinVar variation 1692050 (VCV001692050.1), dbSNP rs1694400747, ClinGen allele CA1044987079.

ClinVar aggregate classification (germline): Uncertain significance (1 of 4 stars; one submission).

Conditions:
Fanconi anemia (FA). Also called: Fanconi's anemia. Identifiers: Orphanet 84, MedGen C0015625, MeSH D005199, MONDO:0019391.

Allele frequency attached by ClinVar (database versions not stated): gnomAD 0.00001.
gnomAD v4.1: 1 of 1,613,848 alleles (0.000062%); highest among the groups gnomAD compares: Non-Finnish European, 0.000085%; no homozygotes.

Submission:

Sema4
Classification: Uncertain significance for Fanconi anemia. Last evaluated: 2022-02-17. Review status: criteria provided, single submitter. Criteria: Sema4 Curation Guidelines. Collection method: curation. Allele origin: germline.
Comment: The FANCD2 c.3561-4G>T variant has not been reported in the literature to our knowledge. This variant is not reported in the population database Genome Aggregation Database (PMID: 32461654). This variant has not been reported in ClinVar. In silico tools do not suggest negative effect on normal splicing, though these predictions have not been confirmed by functional studies. The evidence is insufficient to meet ACMG/AMP criteria for classifying the variant as benign or pathogenic. Thus, the clinical significance of this variant is currently uncertain.